The following is an entry in ClinVar:

ClinVar aggregate classification (germline): Uncertain significance. Review status: criteria provided, multiple submitters, no conflicts (2 of 4 stars). 2 submissions from 2 submitters: Uncertain significance (2). Last evaluated 2025-06-29.

Conditions:
Inborn genetic diseases. Identifiers: MedGen C0950123, MeSH D030342.

Allele frequency attached by ClinVar (database versions not stated): ExAC 0.00004; gnomAD 0.00006; ESP Exome Variant Server 0.00008; TOPMed 0.00009; 1000 Genomes Project 30x 0.00016; 1000 Genomes Project 0.00020; gnomAD exomes 0.00003.
gnomAD v4.1: 62 of 1,613,402 alleles (0.0038%); highest among the groups gnomAD compares: East Asian, 0.031%; no homozygotes.

Submissions (2):

Ambry Genetics
Classification: Uncertain significance for Inborn genetic diseases. Last evaluated: 2025-06-29. Review status: criteria provided, single submitter. Criteria: Ambry Variant Classification Scheme 2023. Collection method: clinical testing. Allele origin: germline.

GeneDx
Classification: Uncertain significance. Last evaluated: 2024-04-29. Review status: criteria provided, single submitter. Criteria: GeneDx Variant Classification Process June 2021. Collection method: clinical testing. Allele origin: germline. Affected: yes.
Comment: Reported with a variant on the opposite allele (in trans) in a fetus with cardiomegaly, tricuspid regurgitation, agenesis of the corpus callosum, cerebellar hypoplasia, polyhydramnios, and hydrops in published literature (PMID: 36307859); In silico analysis supports that this missense variant has a deleterious effect on protein structure/function; This variant is associated with the following publications: (PMID: 36307859)

NM_017799.4(TMEM260):c.284A>G (p.Asn95Ser)

Gene: TMEM260 (transmembrane protein 260; plus strand). Cytogenetic location: 14q22.3.
Variant type: single nucleotide variant.
Coding change: c.284A>G on transcript NM_017799.4 (MANE Select); coding-DNA position 284, A replaced by G.
Protein change: p.Asn95Ser; replaces asparagine 95 with serine.
Molecular consequence: missense variant.
Genome position (GRCh38, 1-based): chr14:56,585,852, A>G. VCF-style: chr14-56585852-A-G. GRCh37 (hg19) VCF-style: chr14-57052570-A-G.
Other names: short protein forms N95S.
Identifiers: ClinVar variation 2513718 (VCV002513718.4), dbSNP rs376818032, ClinGen allele CA7199690.